The following is an entry in ClinVar:

NM_016648.4(LARP7):c.998-1G>A

Genes: LARP7 (La ribonucleoprotein 7, transcriptional regulator; plus strand), MIR302CHG (miR-302/367 cluster host gene; minus strand). Cytogenetic location: 4q25.
Variant type: single nucleotide variant.
Coding change: c.998-1G>A on transcript NM_016648.4 (MANE Select); the canonical splice acceptor site of the intron before coding-DNA position 998, G replaced by A.
Molecular consequence: splice acceptor variant. On other transcripts: missense variant (4).
Genome position (GRCh38, 1-based): chr4:112,647,689, G>A. VCF-style: chr4-112647689-G-A. GRCh37 (hg19) VCF-style: chr4-113568845-G-A.
Other names: c.1036G>A, p.Asp346Asn (NM_001370974.1, NM_001370975.1); c.1033G>A, p.Asp345Asn (NM_001370976.1, NM_001370977.1); c.998-1G>A (NM_001267039.4, NM_001370978.1, NM_015454.3); c.995-1G>A (NM_001370979.1, NM_001370980.1); c.761-1G>A (NM_001370982.1, NM_001370981.1); short protein forms D345N, D346N.
Identifiers: ClinVar variation 2972761 (VCV002972761.3), dbSNP rs2048382403, ClinGen allele CA357926456.
Genomic context (GRCh38, chr4:112,647,689, plus strand): 5'-TTCTGTTTCACCCATTTCACAGCCCCATGTCTTAACGGAGAGCTTTTTTATTTATTTCAA[G>A]ATATAGAAATCTCTACTGAAGAGGAAAAGGATACTGGAGATCTAAAAGATAGCTCTCTCT-3'

ClinVar aggregate classification (germline): Likely pathogenic (1 of 4 stars; one submission).

Allele frequency attached by ClinVar (database versions not stated): TOPMed below 0.00001.

Submission:

Labcorp Genetics (formerly Invitae), Labcorp
Classification: Likely pathogenic. Last evaluated: 2025-06-02. Review status: criteria provided, single submitter. Criteria: Invitae Variant Classification Sherloc (09022015). Collection method: clinical testing. Allele origin: germline.
Comment: This sequence change affects an acceptor splice site in intron 7 of the LARP7 gene. It is expected to disrupt RNA splicing. Variants that disrupt the donor or acceptor splice site typically lead to a loss of protein function (PMID: 16199547), and loss-of-function variants in LARP7 are known to be pathogenic (PMID: 22865833, 26374271, 26607181). This variant is not present in population databases (gnomAD no frequency). This variant has not been reported in the literature in individuals affected with LARP7-related conditions. ClinVar contains an entry for this variant (Variation ID: 2972761). Algorithms developed to predict the effect of sequence changes on RNA splicing suggest that this variant may disrupt the consensus splice site. In summary, the currently available evidence indicates that the variant is pathogenic, but additional data are needed to prove that conclusively. Therefore, this variant has been classified as Likely Pathogenic.

Literature cited by the submitters: PubMed 16199547; PubMed 22865833; PubMed 26374271; PubMed 26607181.